The following is an entry in ClinVar:

ClinVar aggregate classification (germline): Likely benign. Review status: criteria provided, single submitter (1 of 4 stars). 2 submissions from 2 submitters: Likely benign (1). 1 of the submissions does not count toward it. Last evaluated 2026-04-01.

Conditions:
MED13-related disorder. Also called: MED13-related condition.

Allele frequency attached by ClinVar (database versions not stated): 1000 Genomes Project 0.00040; 1000 Genomes Project 30x 0.00047; ESP Exome Variant Server 0.00167.
gnomAD v4.1: 3,209 of 1,614,148 alleles (0.2%); highest among the groups gnomAD compares: Non-Finnish European, 0.26%; 7 homozygotes.

Submissions (2):

CeGaT Center for Human Genetics Tuebingen
Classification: Likely benign. Last evaluated: 2026-04-01. Review status: criteria provided, single submitter. Criteria: CeGaT Center For Human Genetics Tuebingen Variant Classification Criteria Version 2. Collection method: clinical testing. Allele origin: germline. Affected: yes. Observed: 8 variant alleles.
Comment: MED13: BP4, BS1

PreventionGenetics, part of Exact Sciences
Classification: Likely benign for MED13-related condition. Last evaluated: 2021-02-22. Review status: no assertion criteria provided. Collection method: clinical testing. Allele origin: germline. Not counted in ClinVar's aggregate classification.
Comment: This variant is classified as likely benign based on ACMG/AMP sequence variant interpretation guidelines (Richards et al. 2015 PMID: 25741868, with internal and published modifications).

NM_005121.3(MED13):c.1751A>G (p.Gln584Arg)

Gene: MED13 (mediator complex subunit 13; minus strand). Cytogenetic location: 17q23.2.
Variant type: single nucleotide variant.
Coding change: c.1751A>G on transcript NM_005121.3 (MANE Select); coding-DNA position 1751, A replaced by G.
Protein change: p.Gln584Arg; replaces glutamine 584 with arginine.
Molecular consequence: missense variant.
Genome position (GRCh38, 1-based): chr17:62,010,766, T>C on the plus strand (A>G on the coding strand, the complement: MED13 is on the minus strand). VCF-style: chr17-62010766-T-C. GRCh37 (hg19) VCF-style: chr17-60088127-T-C.
Other names: c.1751A>G (NM_005121.2); short protein forms Q584R.
Identifiers: ClinVar variation 2648013 (VCV002648013.25), dbSNP rs187078012, ClinGen allele CA8692988.